The following is an entry in ClinVar:

ClinVar aggregate classification (germline): Uncertain significance. Review status: criteria provided, multiple submitters, no conflicts (2 of 4 stars). 2 submissions from 2 submitters: Uncertain significance (2). Last evaluated 2025-05-27.

Conditions:
Hypertrophic cardiomyopathy. Also called: HYPERTROPHIC MYOCARDIOPATHY. Identifiers: Orphanet 217569, MedGen C0007194, MeSH D002312, MONDO:0005045, HP:0001639.

Allele frequency attached by ClinVar (database versions not stated): gnomAD exomes below 0.00001; 1000 Genomes Project 30x 0.00016; gnomAD 0.00001.
gnomAD v4.1: 6 of 1,612,148 alleles (0.00037%); highest among the groups gnomAD compares: South Asian, 0.0011%; no homozygotes.

Submissions (2):

Ambry Genetics
Classification: Uncertain significance. Last evaluated: 2025-05-27. Review status: criteria provided, single submitter. Criteria: Ambry Variant Classification Scheme 2023. Collection method: clinical testing. Allele origin: germline.
Comment: The p.N473S variant (also known as c.1418A>G), located in coding exon 9 of the MYOM1 gene, results from an A to G substitution at nucleotide position 1418. The asparagine at codon 473 is replaced by serine, an amino acid with highly similar properties. This amino acid position is conserved. In addition, this alteration is predicted to be tolerated by in silico analysis. Based on the available evidence, the clinical significance of this variant remains unclear.

Labcorp Genetics (formerly Invitae), Labcorp
Classification: Uncertain significance for Hypertrophic cardiomyopathy. Last evaluated: 2025-02-13. Review status: criteria provided, single submitter. Criteria: Invitae Variant Classification Sherloc (09022015). Collection method: clinical testing. Allele origin: germline.
Comment: This sequence change replaces asparagine, which is neutral and polar, with serine, which is neutral and polar, at codon 473 of the MYOM1 protein (p.Asn473Ser). This variant is not present in population databases (gnomAD no frequency). This variant has not been reported in the literature in individuals affected with MYOM1-related conditions. ClinVar contains an entry for this variant (Variation ID: 2916876). Invitae Evidence Modeling of protein sequence and biophysical properties (such as structural, functional, and spatial information, amino acid conservation, physicochemical variation, residue mobility, and thermodynamic stability) indicates that this missense variant is expected to disrupt MYOM1 protein function with a positive predictive value of 80%. In summary, the available evidence is currently insufficient to determine the role of this variant in disease. Therefore, it has been classified as a Variant of Uncertain Significance.

NM_003803.4(MYOM1):c.1418A>G (p.Asn473Ser)

Gene: MYOM1 (myomesin 1; minus strand). Cytogenetic location: 18p11.31.
Variant type: single nucleotide variant.
Coding change: c.1418A>G on transcript NM_003803.4 (MANE Select); coding-DNA position 1418, A replaced by G.
Protein change: p.Asn473Ser; replaces asparagine 473 with serine.
Molecular consequence: missense variant.
Genome position (GRCh38, 1-based): chr18:3,164,361, T>C on the plus strand (A>G on the coding strand, the complement: MYOM1 is on the minus strand). VCF-style: chr18-3164361-T-C. GRCh37 (hg19) VCF-style: chr18-3164359-T-C.
Other names: c.1418A>G, p.Asn473Ser (NM_019856.2); short protein forms N473S.
Identifiers: ClinVar variation 2916876 (VCV002916876.4), dbSNP rs2080439231, ClinGen allele CA401714922.